The following is an entry in ClinVar:

ClinVar aggregate classification (germline): Uncertain significance (1 of 4 stars; one submission).

Submission:

Labcorp Genetics (formerly Invitae), Labcorp
Classification: Uncertain significance. Last evaluated: 2023-10-13. Review status: criteria provided, single submitter. Criteria: Invitae Variant Classification Sherloc (09022015). Collection method: clinical testing. Allele origin: germline.
Comment: This sequence change replaces cysteine, which is neutral and slightly polar, with serine, which is neutral and polar, at codon 19 of the EDNRB protein (p.Cys19Ser). This variant is not present in population databases (gnomAD no frequency). This variant has not been reported in the literature in individuals affected with EDNRB-related conditions. Algorithms developed to predict the effect of missense changes on protein structure and function output the following: SIFT: "Not Available"; PolyPhen-2: "Benign"; Align-GVGD: "Not Available". The serine amino acid residue is found in multiple mammalian species, which suggests that this missense change does not adversely affect protein function. In summary, the available evidence is currently insufficient to determine the role of this variant in disease. Therefore, it has been classified as a Variant of Uncertain Significance.

NM_001122659.3(EDNRB):c.56G>C (p.Cys19Ser)

Gene: EDNRB (endothelin receptor type B; minus strand). Cytogenetic location: 13q22.3.
Variant type: single nucleotide variant.
Coding change: c.56G>C on transcript NM_001122659.3 (MANE Select); coding-DNA position 56, G replaced by C.
Protein change: p.Cys19Ser; replaces cysteine 19 with serine.
Molecular consequence: missense variant.
Genome position (GRCh38, 1-based): chr13:77,918,518, C>G on the plus strand (G>C on the coding strand, the complement: EDNRB is on the minus strand). VCF-style: chr13-77918518-C-G. GRCh37 (hg19) VCF-style: chr13-78492653-C-G.
Other names: c.56G>C, p.Cys19Ser (NM_000115.5, NM_003991.4); c.326G>C, p.Cys109Ser (NM_001201397.2); short protein forms C109S, C19S.
Identifiers: ClinVar variation 3020416 (VCV003020416.3), dbSNP rs2501611059, ClinGen allele CA388453134.